The following is an entry in ClinVar:

NM_005732.4(RAD50):c.2147A>C (p.Glu716Ala)

Gene: RAD50 (RAD50 double strand break repair protein; plus strand). Cytogenetic location: 5q31.1.
Variant type: single nucleotide variant.
Coding change: c.2147A>C on transcript NM_005732.4 (MANE Select); coding-DNA position 2147, A replaced by C.
Protein change: p.Glu716Ala; replaces glutamic acid 716 with alanine.
Molecular consequence: missense variant.
Genome position (GRCh38, 1-based): chr5:132,595,750, A>C. VCF-style: chr5-132595750-A-C. GRCh37 (hg19) VCF-style: chr5-131931442-A-C.
Other names: short protein forms E716A.
Identifiers: ClinVar variation 408381 (VCV000408381.15), dbSNP rs1060501957, ClinGen allele CA16611774.
Genomic context (GRCh38, chr5:132,595,750, plus strand): 5'-AAGTCATCAGTGATTTGCAGTCTAAACTGCGACTTGCTCCAGATAAACTCAAGTCAACAG[A>C]ATCAGAGCTAAAAAAAAAGGAAAAGCGGCGTGATGAAATGCTGGGACTTGTGCCCATGAG-3'
Protein context (NP_005723.2, residues 706-726): RLAPDKLKST[Glu716Ala]SELKKKEKRR

ClinVar aggregate classification (germline): Uncertain significance. Review status: criteria provided, multiple submitters, no conflicts (2 of 4 stars). 2 submissions from 2 submitters: Uncertain significance (2). Last evaluated 2024-10-24.

Conditions:
Hereditary cancer-predisposing syndrome. Also called: Hereditary Cancer Syndrome; Hereditary neoplastic syndrome; Neoplastic Syndromes, Hereditary; Tumor predisposition. Identifiers: Orphanet 140162, MedGen C0027672, MeSH D009386, MONDO:0015356.

Allele frequency attached by ClinVar (database versions not stated): gnomAD 0.00001; gnomAD exomes 0.00001; TOPMed 0.00001.
gnomAD v4.1: 11 of 1,613,896 alleles (0.00068%); highest among the groups gnomAD compares: Non-Finnish European, 0.00093%; no homozygotes.

Submissions (2):

Labcorp Genetics (formerly Invitae), Labcorp
Classification: Uncertain significance for Hereditary cancer-predisposing syndrome. Last evaluated: 2024-10-24. Review status: criteria provided, single submitter. Criteria: Invitae Variant Classification Sherloc (09022015). Collection method: clinical testing. Allele origin: germline.
Comment: This sequence change replaces glutamic acid, which is acidic and polar, with alanine, which is neutral and non-polar, at codon 716 of the RAD50 protein (p.Glu716Ala). This variant is not present in population databases (gnomAD no frequency). This variant has not been reported in the literature in individuals affected with RAD50-related conditions. ClinVar contains an entry for this variant (Variation ID: 408381). Invitae Evidence Modeling of protein sequence and biophysical properties (such as structural, functional, and spatial information, amino acid conservation, physicochemical variation, residue mobility, and thermodynamic stability) indicates that this missense variant is expected to disrupt RAD50 protein function with a positive predictive value of 80%. In summary, the available evidence is currently insufficient to determine the role of this variant in disease. Therefore, it has been classified as a Variant of Uncertain Significance.

Ambry Genetics
Classification: Uncertain significance for Hereditary cancer-predisposing syndrome. Last evaluated: 2024-05-01. Review status: criteria provided, single submitter. Criteria: Ambry Variant Classification Scheme 2023. Collection method: clinical testing. Allele origin: germline.
Comment: The p.E716A variant (also known as c.2147A>C), located in coding exon 13 of the RAD50 gene, results from an A to C substitution at nucleotide position 2147. The glutamic acid at codon 716 is replaced by alanine, an amino acid with dissimilar properties. This amino acid position is highly conserved in available vertebrate species. In addition, the in silico prediction for this alteration is inconclusive. Since supporting evidence is limited at this time, the clinical significance of this alteration remains unclear.